The following is an entry in ClinVar:

NM_000273.3(GPR143):c.768-9T>G

Gene: GPR143 (G protein-coupled receptor 143; minus strand). Cytogenetic location: Xp22.2.
Variant type: single nucleotide variant.
Coding change: c.768-9T>G on transcript NM_000273.3 (MANE Select); 9 bases into the intron before coding-DNA position 768, T replaced by G.
Molecular consequence: intron variant.
Genome position (GRCh38, 1-based): chrX:9,741,464, A>C on the plus strand (T>G on the coding strand, the complement: GPR143 is on the minus strand). VCF-style: chrX-9741464-A-C. GRCh37 (hg19) VCF-style: chrX-9709504-A-C.
Identifiers: ClinVar variation 2029250 (VCV002029250.4), dbSNP rs2518624941, ClinGen allele CA2580101974.
Genomic context (GRCh38, chrX:9,741,464, plus strand): 5'-TTGCATCTCAAGATAGAATAAAAGGCTTTCATTGATGATATTCGACAACCAACTGTTAGA[A>C]AGAAAATGGCAGCAGGTAAAGAGAACATGCAATGAAACTCGTTTTTAAATGCTGGAGAGT-3'

ClinVar aggregate classification (germline): Uncertain significance (1 of 4 stars; one submission).

Submission:

Labcorp Genetics (formerly Invitae), Labcorp
Classification: Uncertain significance. Last evaluated: 2022-09-06. Review status: criteria provided, single submitter. Criteria: Invitae Variant Classification Sherloc (09022015). Collection method: clinical testing. Allele origin: germline.
Comment: In summary, the available evidence is currently insufficient to determine the role of this variant in disease. Therefore, it has been classified as a Variant of Uncertain Significance. Algorithms developed to predict the effect of sequence changes on RNA splicing suggest that this variant may disrupt the consensus splice site. This variant has not been reported in the literature in individuals affected with GPR143-related conditions. This variant is not present in population databases (gnomAD no frequency). This sequence change falls in intron 6 of the GPR143 gene. It does not directly change the encoded amino acid sequence of the GPR143 protein.